The following is an entry in ClinVar:

NM_001846.4(COL4A2):c.4138+10C>T

Genes: COL4A2 (collagen type IV alpha 2 chain; plus strand), COL4A2-AS1 (COL4A2 antisense RNA 1; minus strand). Cytogenetic location: 13q34.
Variant type: single nucleotide variant.
Coding change: c.4138+10C>T on transcript NM_001846.4 (MANE Select); 10 bases into the intron after coding-DNA position 4138, C replaced by T.
Molecular consequence: intron variant.
Genome position (GRCh38, 1-based): chr13:110,503,491, C>T. VCF-style: chr13-110503491-C-T. GRCh37 (hg19) VCF-style: chr13-111155838-C-T.
Other names: c.4138+10C>T (NM_001846.3).
Identifiers: ClinVar variation 2729228 (VCV002729228.6), dbSNP rs750478253, ClinGen allele CA7050413.
Genomic context (GRCh38, chr13:110,503,491, plus strand): 5'-CGGTGGGCGACAGAGGCCCCAAGGGACCCAAGGGAGACCCAGGATTCCCTGGTAAGTGAC[C>T]GTCTGGTATCTTCAGAGCTAGTGGCTCAGCCCAGCCTCTCCAGGCTTGGGGACATCCTGG-3'

ClinVar aggregate classification (germline): Likely benign. Review status: criteria provided, multiple submitters, no conflicts (2 of 4 stars). 3 submissions from 3 submitters: Likely benign (2). 1 of the submissions does not count toward it. Last evaluated 2024-09-13.

Conditions:
COL4A2-related disorder. Also called: COL4A2-related disorders; COL4A2-related condition.

Allele frequency attached by ClinVar (database versions not stated): ExAC 0.00005; gnomAD 0.00005; TOPMed 0.00005; gnomAD exomes 0.00007.
gnomAD v4.1: 114 of 1,498,602 alleles (0.0076%); highest among the groups gnomAD compares: Non-Finnish European, 0.0089%; no homozygotes.

Submissions (3):

Blueprint Genetics
Classification: Likely benign. Last evaluated: 2024-09-13. Review status: criteria provided, single submitter. Criteria: ACMG Guidelines, 2015. Collection method: clinical testing. Allele origin: germline.

Labcorp Genetics (formerly Invitae), Labcorp
Classification: Likely benign. Last evaluated: 2023-03-20. Review status: criteria provided, single submitter. Criteria: Invitae Variant Classification Sherloc (09022015). Collection method: clinical testing. Allele origin: germline.

PreventionGenetics, part of Exact Sciences
Classification: Likely benign for COL4A2-related condition. Last evaluated: 2021-11-01. Review status: no assertion criteria provided. Collection method: clinical testing. Allele origin: germline. Not counted in ClinVar's aggregate classification.
Comment: This variant is classified as likely benign based on ACMG/AMP sequence variant interpretation guidelines (Richards et al. 2015 PMID: 25741868, with internal and published modifications).